The following is an entry in ClinVar:

ClinVar aggregate classification (germline): Uncertain significance (1 of 4 stars; one submission).

Submission:

GeneDx
Classification: Uncertain significance. Last evaluated: 2024-03-28. Review status: criteria provided, single submitter. Criteria: GeneDx Variant Classification Process June 2021. Collection method: clinical testing. Allele origin: germline. Affected: yes.
Comment: Not observed at significant frequency in large population cohorts (gnomAD); In silico analysis supports that this missense variant has a deleterious effect on protein structure/function; Has not been previously published as pathogenic or benign to our knowledge

NM_006852.6(TLK2):c.2095T>C (p.Cys699Arg)

Gene: TLK2 (tousled like kinase 2; plus strand). Cytogenetic location: 17q23.2.
Variant type: single nucleotide variant.
Coding change: c.2095T>C on transcript NM_006852.6 (MANE Select); coding-DNA position 2095, T replaced by C.
Protein change: p.Cys699Arg; replaces cysteine 699 with arginine.
Molecular consequence: missense variant.
Genome position (GRCh38, 1-based): chr17:62,612,407, T>C. VCF-style: chr17-62612407-T-C. GRCh37 (hg19) VCF-style: chr17-60689768-T-C.
Other names: c.2161T>C, p.Cys721Arg (NM_001284333.3); c.1999T>C, p.Cys667Arg (NM_001284363.1, NM_001375272.1); c.1648T>C, p.Cys550Arg (NM_001330418.3, NM_001375273.1); c.2137T>C, p.Cys713Arg (NM_001375269.1); c.2095T>C, p.Cys699Arg (NM_001375270.1, NM_001375271.1); c.1810T>C, p.Cys604Arg (NM_001411074.1); short protein forms C550R, C604R, C667R, C699R, C713R, C721R.
Identifiers: ClinVar variation 3370942 (VCV003370942.1).